The following is an entry in ClinVar:

NM_000017.4(ACADS):c.775A>G (p.Met259Val)

Gene: ACADS (acyl-CoA dehydrogenase short chain; plus strand). Cytogenetic location: 12q24.31.
Variant type: single nucleotide variant.
Coding change: c.775A>G on transcript NM_000017.4 (MANE Select); coding-DNA position 775, A replaced by G.
Protein change: p.Met259Val; replaces methionine 259 with valine.
Molecular consequence: missense variant.
Genome position (GRCh38, 1-based): chr12:120,738,430, A>G. VCF-style: chr12-120738430-A-G. GRCh37 (hg19) VCF-style: chr12-121176233-A-G.
Other names: c.763A>G, p.Met255Val (NM_001302554.2); short protein forms M255V, M259V.
Identifiers: ClinVar variation 954792 (VCV000954792.9), dbSNP rs752079325, ClinGen allele CA6831050.

ClinVar aggregate classification (germline): Uncertain significance (1 of 4 stars; one submission).

Conditions:
Deficiency of butyryl-CoA dehydrogenase (ACADSD). Also called: ACADS DEFICIENCY; SCADH DEFICIENCY; SCAD Deficiency; SCAD DEFICIENCY, MILD; ACYL-CoA DEHYDROGENASE, SHORT-CHAIN, DEFICIENCY OF; Short-Chain Acyl-CoA Dehydrogenase Deficiency. Identifiers: Orphanet 26792, MedGen C0342783, MONDO:0008722, OMIM 201470. Disease mechanism: May be benign.

Allele frequency attached by ClinVar (database versions not stated): gnomAD exomes below 0.00001 and 0.00001; ExAC 0.00001; TOPMed 0.00002; gnomAD 0.00004 and 0.00005.
gnomAD v4.1: 9 of 1,611,634 alleles (0.00056%); highest among the groups gnomAD compares: African/African-American, 0.012%; no homozygotes.

Submission:

Labcorp Genetics (formerly Invitae), Labcorp
Classification: Uncertain significance for Deficiency of butyryl-CoA dehydrogenase. Last evaluated: 2025-11-24. Review status: criteria provided, single submitter. Criteria: Invitae Variant Classification Sherloc (09022015). Collection method: clinical testing. Allele origin: germline.
Comment: This sequence change replaces methionine, which is neutral and non-polar, with valine, which is neutral and non-polar, at codon 259 of the ACADS protein (p.Met259Val). This variant is present in population databases (rs752079325, gnomAD 0.02%). This variant has not been reported in the literature in individuals affected with ACADS-related conditions. ClinVar contains an entry for this variant (Variation ID: 954792). Invitae Evidence Modeling of protein sequence and biophysical properties (such as structural, functional, and spatial information, amino acid conservation, physicochemical variation, residue mobility, and thermodynamic stability) indicates that this missense variant is expected to disrupt ACADS protein function with a positive predictive value of 95%. In summary, the available evidence is currently insufficient to determine the role of this variant in disease. Therefore, it has been classified as a Variant of Uncertain Significance.